The following is an entry in ClinVar:

NM_001038.6(SCNN1A):c.508C>G (p.Leu170Val)

Gene: SCNN1A (sodium channel epithelial 1 subunit alpha; minus strand). Cytogenetic location: 12p13.31.
Variant type: single nucleotide variant.
Coding change: c.508C>G on transcript NM_001038.6 (MANE Select); coding-DNA position 508, C replaced by G.
Protein change: p.Leu170Val; replaces leucine 170 with valine.
Molecular consequence: missense variant.
Genome position (GRCh38, 1-based): chr12:6,363,619, G>C on the plus strand (C>G on the coding strand, the complement: SCNN1A is on the minus strand). VCF-style: chr12-6363619-G-C. GRCh37 (hg19) VCF-style: chr12-6472785-G-C.
Other names: c.577C>G, p.Leu193Val (NM_001159575.2); c.685C>G, p.Leu229Val (NM_001159576.2); short protein forms L170V, L193V, L229V.
Identifiers: ClinVar variation 2631993 (VCV002631993.1), dbSNP rs973475246, ClinGen allele CA232359738.

ClinVar aggregate classification (germline): Uncertain significance (1 of 4 stars; one submission).

Conditions:
SCNN1A-related disorder. Also called: SCNN1A-related disorders; SCNN1A-related condition.

Allele frequency attached by ClinVar (database versions not stated): gnomAD 0.00001; TOPMed 0.00002.
gnomAD v4.1: 23 of 1,613,218 alleles (0.0014%); highest among the groups gnomAD compares: Non-Finnish European, 0.0018%; no homozygotes.

Submission:

PreventionGenetics, part of Exact Sciences
Classification: Uncertain significance for SCNN1A-related condition. Last evaluated: 2023-03-13. Review status: criteria provided, single submitter. Criteria: ACMG Guidelines, 2015. Collection method: clinical testing. Allele origin: germline.
Comment: The SCNN1A c.508C>G variant is predicted to result in the amino acid substitution p.Leu170Val. To our knowledge, this variant has not been reported in the literature. This variant is reported in 0.0018% of alleles in individuals of European (Non-Finnish) descent in gnomAD. At this time, the clinical significance of this variant is uncertain due to the absence of conclusive functional and genetic evidence.